The following is an entry in ClinVar:

ClinVar aggregate classification (germline): Likely pathogenic. Review status: criteria provided, multiple submitters, no conflicts (2 of 4 stars). 2 submissions from 2 submitters: Likely pathogenic (2). Last evaluated 2025-08-06.

Conditions:
Rienhoff syndrome. Also called: LOEYS-DIETZ SYNDROME 5. Identifiers: MedGen C3810012, MONDO:0014262, OMIM 615582.
Familial thoracic aortic aneurysm and aortic dissection (TAAD). Also called: Thoracic aortic aneurysms and dissections. Identifiers: Orphanet 91387, MedGen C4707243, MONDO:0019625.

Submissions (2):

Ambry Genetics
Classification: Likely pathogenic for Familial thoracic aortic aneurysm and aortic dissection. Last evaluated: 2025-08-06. Review status: criteria provided, single submitter. Criteria: Ambry Variant Classification Scheme 2023. Collection method: clinical testing. Allele origin: germline.
Comment: The c.926+1G>A intronic variant results from a G to A substitution one nucleotide after coding exon 5 of the TGFB3 gene. This alteration occurs at the 3' terminus of the TGFB3 gene, is not expected to trigger nonsense-mediated mRNA decay, and impacts the last 39% of the protein. The exact functional effect of this alteration is unknown; however, a significant portion of the protein is affected (Ambry internal data). This variant was reported in individual(s) with features consistent with Loeys-Dietz syndrome (Ambry internal). This variant is considered to be rare based on population cohorts in the Genome Aggregation Database (gnomAD). This nucleotide position is highly conserved in available vertebrate species. In silico splice site analysis predicts that this alteration will weaken the native splice donor site. As such, this alteration is classified as likely pathogenic.

Labcorp Genetics (formerly Invitae), Labcorp
Classification: Likely pathogenic for Rienhoff syndrome. Last evaluated: 2019-12-05. Review status: criteria provided, single submitter. Criteria: Invitae Variant Classification Sherloc (09022015). Collection method: clinical testing. Allele origin: germline.
Comment: This sequence change affects a donor splice site in intron 5 of the TGFB3 gene. It is expected to disrupt RNA splicing and likely results in an absent or disrupted protein product. This variant is not present in population databases (ExAC no frequency). This variant has not been reported in the literature in individuals with TGFB3-related conditions. Algorithms developed to predict the effect of sequence changes on RNA splicing suggest that this variant may disrupt the consensus splice site, but this prediction has not been confirmed by published transcriptional studies. Donor and acceptor splice site variants typically lead to a loss of protein function (PMID: 16199547), and loss-of-function variants in TGFB3 are known to be pathogenic (PMID: 25835445, 26188975). In summary, the currently available evidence indicates that the variant is pathogenic, but additional data are needed to prove that conclusively. Therefore, this variant has been classified as Likely Pathogenic.

Literature cited by the submitters: PubMed 25835445 (cited by Ambry Genetics and Labcorp Genetics (formerly Invitae), Labcorp); PubMed 26188975 (cited by Ambry Genetics and Labcorp Genetics (formerly Invitae), Labcorp); PubMed 16199547 (cited by Labcorp Genetics (formerly Invitae), Labcorp).

NM_003239.5(TGFB3):c.926+1G>A

Gene: TGFB3 (transforming growth factor beta 3; minus strand). Cytogenetic location: 14q24.3.
Variant type: single nucleotide variant.
Coding change: c.926+1G>A on transcript NM_003239.5 (MANE Select); the canonical splice donor site of the intron after coding-DNA position 926, G replaced by A.
Molecular consequence: splice donor variant. On other transcripts: synonymous variant (1).
Genome position (GRCh38, 1-based): chr14:75,963,315, C>T on the plus strand (G>A on the coding strand, the complement: TGFB3 is on the minus strand). VCF-style: chr14-75963315-C-T. GRCh37 (hg19) VCF-style: chr14-76429658-C-T.
Other names: c.926+1G>A (NM_003239.2, NM_001329939.2); c.927G>A, p.Arg309= (NM_001329938.2).
Identifiers: ClinVar variation 858860 (VCV000858860.9), dbSNP rs2035180096, ClinGen allele CA390468125.